The following is an entry in ClinVar:

ClinVar aggregate classification (germline): Conflicting classifications of pathogenicity. Review status: criteria provided, conflicting classifications (1 of 4 stars). 2 submissions from 2 submitters: Uncertain significance (1); Likely benign (1). Last evaluated 2023-05-04.

Conditions:
Fanconi anemia complementation group O. Also called: RAD51C-Related Fanconi Anemia. Identifiers: Orphanet 84, MedGen C3150653, MONDO:0013248, OMIM 613390.
Hereditary cancer-predisposing syndrome. Also called: Hereditary neoplastic syndrome; Neoplastic Syndromes, Hereditary; Tumor predisposition; Hereditary Cancer Syndrome. Identifiers: Orphanet 140162, MedGen C0027672, MeSH D009386, MONDO:0015356.

Submissions (2):

Labcorp Genetics (formerly Invitae), Labcorp
Classification: Uncertain significance for Fanconi anemia complementation group O. Last evaluated: 2023-05-04. Review status: criteria provided, single submitter. Criteria: Invitae Variant Classification Sherloc (09022015). Collection method: clinical testing. Allele origin: germline.
Comment: This variant has not been reported in the literature in individuals affected with RAD51C-related conditions. This sequence change replaces threonine, which is neutral and polar, with serine, which is neutral and polar, at codon 365 of the RAD51C protein (p.Thr365Ser). This variant is present in population databases (no rsID available, gnomAD 0.0009%). ClinVar contains an entry for this variant (Variation ID: 480512). Algorithms developed to predict the effect of missense changes on protein structure and function output the following: SIFT: "Not Available"; PolyPhen-2: "Benign"; Align-GVGD: "Not Available". The serine amino acid residue is found in multiple mammalian species, which suggests that this missense change does not adversely affect protein function. In summary, the available evidence is currently insufficient to determine the role of this variant in disease. Therefore, it has been classified as a Variant of Uncertain Significance.

Ambry Genetics
Classification: Likely benign for Hereditary cancer-predisposing syndrome. Last evaluated: 2019-04-23. Review status: criteria provided, single submitter. Criteria: Ambry Variant Classification Scheme 2023. Collection method: clinical testing. Allele origin: germline.

NM_058216.3(RAD51C):c.1094C>G (p.Thr365Ser)

Gene: RAD51C (RAD51 paralog C; plus strand). Cytogenetic location: 17q22.
Variant type: single nucleotide variant.
Coding change: c.1094C>G on transcript NM_058216.3 (MANE Select); coding-DNA position 1094, C replaced by G.
Protein change: p.Thr365Ser; replaces threonine 365 with serine.
Molecular consequence: missense variant. On other transcripts: non-coding transcript variant (1).
Genome position (GRCh38, 1-based): chr17:58,734,185, C>G. VCF-style: chr17-58734185-C-G. GRCh37 (hg19) VCF-style: chr17-56811546-C-G.
Other names: short protein forms T365S.
Identifiers: ClinVar variation 480512 (VCV000480512.15), dbSNP rs755838887, ClinGen allele CA400366444.